The following is an entry in ClinVar:

ClinVar aggregate classification (germline): Benign. Review status: criteria provided, multiple submitters, no conflicts (2 of 4 stars). 2 submissions from 2 submitters: Benign (2). Last evaluated 2018-06-14.

Allele frequency attached by ClinVar (database versions not stated): 1000 Genomes Project 0.01817; 1000 Genomes Project 30x 0.01858; TOPMed 0.04077; ExAC 0.04944; gnomAD 0.04963 and 0.05182; gnomAD exomes 0.04986 and 0.06759; ESP Exome Variant Server 0.05258.
gnomAD v4.1: 104,636 of 1,597,242 alleles (6.6%); highest among the groups gnomAD compares: Non-Finnish European, 7.6%; 4,248 homozygotes.

Submissions (2):

GeneDx
Classification: Benign. Last evaluated: 2018-06-14. Review status: criteria provided, single submitter. Criteria: GeneDx Variant Classification (06012015). Collection method: clinical testing. Allele origin: germline. Affected: yes.
Comment: This variant is considered likely benign or benign based on one or more of the following criteria: it is a conservative change, it occurs at a poorly conserved position in the protein, it is predicted to be benign by multiple in silico algorithms, and/or has population frequency not consistent with disease.

Breakthrough Genomics
Classification: Benign. Review status: criteria provided, single submitter. Criteria: ACMG Guidelines, 2015. Collection method: not provided. Allele origin: germline. Inheritance: Autosomal dominant inheritance. Affected: yes.

NM_001365902.3(NFIX):c.955+39C>T

Gene: NFIX (nuclear factor I X; plus strand). Cytogenetic location: 19p13.13.
Variant type: single nucleotide variant.
Coding change: c.955+39C>T on transcript NM_001365902.3 (MANE Select); 39 bases into the intron after coding-DNA position 955, C replaced by T.
Molecular consequence: intron variant.
Genome position (GRCh38, 1-based): chr19:13,075,710, C>T. VCF-style: chr19-13075710-C-T. GRCh37 (hg19) VCF-style: chr19-13186524-C-T.
Other names: c.979+39C>T (NM_001271043.2); c.955+39C>T (NM_002501.4, NM_001365982.2); c.931+39C>T (NM_001378404.1, NM_001271044.3); c.1003+39C>T (NM_001378405.1); c.814+39C>T (NM_001365983.2); c.952+39C>T (NM_001365984.2, NM_001365985.2).
Identifiers: ClinVar variation 670779 (VCV000670779.2), dbSNP rs66502314, ClinGen allele CA9237108.